The following is an entry in ClinVar:

ClinVar aggregate classification (germline): Likely benign. Review status: criteria provided, multiple submitters, no conflicts (2 of 4 stars). 3 submissions from 3 submitters: Likely benign (3). Last evaluated 2026-02-11.

Conditions:
CEP250-related disorder. Also called: CEP250-related condition.

Allele frequency attached by ClinVar (database versions not stated): 1000 Genomes Project 30x 0.00016; 1000 Genomes Project 0.00020.
gnomAD v4.1: 26 of 1,600,672 alleles (0.0016%); highest among the groups gnomAD compares: African/African-American, 0.015%; no homozygotes.

Submissions (3):

PreventionGenetics, part of Exact Sciences
Classification: Likely benign for CEP250-related condition. Last evaluated: 2026-02-11. Review status: criteria provided, single submitter. Criteria: ACMG Guidelines, 2015. Collection method: clinical testing. Allele origin: germline.
Comment: This variant is classified as likely benign based on ACMG/AMP sequence variant interpretation guidelines (Richards et al. 2015 PMID: 25741868, with internal and published modifications).

Labcorp Genetics (formerly Invitae), Labcorp
Classification: Likely benign. Last evaluated: 2025-11-10. Review status: criteria provided, single submitter. Criteria: Invitae Variant Classification Sherloc (09022015). Collection method: clinical testing. Allele origin: germline.

Blueprint Genetics
Classification: Likely benign. Last evaluated: 2024-01-23. Review status: criteria provided, single submitter. Criteria: ACMG Guidelines, 2015. Collection method: clinical testing. Allele origin: germline.

NM_007186.6(CEP250):c.1905C>T (p.Ala635=)

Genes: CEP250 (centrosomal protein 250; plus strand), CEP250-AS1 (CEP250 antisense RNA 1; minus strand). Cytogenetic location: 20q11.22.
Variant type: single nucleotide variant.
Coding change: c.1905C>T on transcript NM_007186.6 (MANE Select); coding-DNA position 1905, C replaced by T.
Protein change: p.Ala635=; no amino-acid change (alanine 635 retained).
Molecular consequence: synonymous variant.
Genome position (GRCh38, 1-based): chr20:35,477,912, C>T. VCF-style: chr20-35477912-C-T. GRCh37 (hg19) VCF-style: chr20-34065737-C-T.
Other names: c.9C>T, p.Ala3= (NM_001318219.1); c.1905C>T (NM_007186.5).
Identifiers: ClinVar variation 1082179 (VCV001082179.11), dbSNP rs149559933, ClinGen allele CA9833064.
Genomic context (GRCh38, chr20:35,477,912, plus strand): 5'-TTCCCTTTTTGGCCAGTAGTTAGAGGAGGAGAACCAGTCTGTGTGCAGCAGAATGGAGGC[C>T]GCAGAGCAGGCGAGAAATGCTTTGCAGGTCGACCTGGCGGAGGCAGAGAAGAGGAGGGAA-3'
Protein context (NP_009117.2, residues 625-645): ENQSVCSRME[Ala635=]AEQARNALQV